The following is an entry in ClinVar:

ClinVar aggregate classification (germline): Uncertain significance (1 of 4 stars; one submission).

Conditions:
Hereditary nonpolyposis colorectal neoplasms. Identifiers: MedGen C0009405, MeSH D003123.

Submission:

Labcorp Genetics (formerly Invitae), Labcorp
Classification: Uncertain significance for Hereditary nonpolyposis colorectal neoplasms. Last evaluated: 2022-01-07. Review status: criteria provided, single submitter. Criteria: Invitae Variant Classification Sherloc (09022015). Collection method: clinical testing. Allele origin: germline.
Comment: This sequence change falls in intron 7 of the PMS2 gene. It does not directly change the encoded amino acid sequence of the PMS2 protein. It affects a nucleotide within the consensus splice site. This variant is not present in population databases (gnomAD no frequency). This variant has not been reported in the literature in individuals affected with PMS2-related conditions. ClinVar contains an entry for this variant (Variation ID: 575195). Variants that disrupt the consensus splice site are a relatively common cause of aberrant splicing (PMID: 17576681, 9536098). Algorithms developed to predict the effect of sequence changes on RNA splicing suggest that this variant may create or strengthen a splice site. In summary, the available evidence is currently insufficient to determine the role of this variant in disease. Therefore, it has been classified as a Variant of Uncertain Significance.

Literature cited by the submitters: PubMed 17576681; PubMed 9536098.

NM_000535.7(PMS2):c.804-3T>C

Gene: PMS2 (PMS1 homolog 2, mismatch repair system component; minus strand). Cytogenetic location: 7p22.1.
Variant type: single nucleotide variant.
Coding change: c.804-3T>C on transcript NM_000535.7 (MANE Select); 3 bases into the intron before coding-DNA position 804, T replaced by C.
Molecular consequence: intron variant.
Genome position (GRCh38, 1-based): chr7:5,995,636, A>G on the plus strand (T>C on the coding strand, the complement: PMS2 is on the minus strand). VCF-style: chr7-5995636-A-G. GRCh37 (hg19) VCF-style: chr7-6035267-A-G.
Other names: c.486-3T>C (NM_001322008.2, NM_001322007.2); c.399-3T>C (NM_001322010.2, NM_001322004.2, NM_001322003.2 and 2 more transcripts); c.231-3T>C (NM_001322013.2); c.-130-3T>C (NM_001322012.2, NM_001322011.2); c.495-3T>C (NM_001322015.2); c.804-3T>C (NM_001322006.2, NM_001322014.2).
Identifiers: ClinVar variation 575195 (VCV000575195.7), dbSNP rs1562664868, ClinGen allele CA891843334.
Genomic context (GRCh38, chr7:5,995,636, plus strand): 5'-TCTGTCTGTTGAACTCCTTCCAACTCCATGCGTGCATTGTGAAATGAAACCTGAGATGCT[A>G]TTCAACATTAATATGGTAAGGGCAGGATTCCAGAGTGAAAGGGATTAGAAATACGATCAC-3'